The following is an entry in ClinVar:

ClinVar aggregate classification (germline): Uncertain significance (1 of 4 stars; one submission).

Conditions:
Inborn genetic diseases. Identifiers: MedGen C0950123, MeSH D030342.

Submission:

Ambry Genetics
Classification: Uncertain significance for Inborn genetic diseases. Last evaluated: 2025-04-06. Review status: criteria provided, single submitter. Criteria: Ambry Variant Classification Scheme 2023. Collection method: clinical testing. Allele origin: germline.
Comment: The p.A813G variant (also known as c.2438C>G), located in coding exon 20 of the KDM1A gene, results from a C to G substitution at nucleotide position 2438. The alanine at codon 813 is replaced by glycine, an amino acid with similar properties. This amino acid position is conserved. In addition, this alteration is predicted to be tolerated by in silico analysis. Based on the available evidence, the clinical significance of this variant remains unclear.

NM_001009999.3(KDM1A):c.2438C>G (p.Ala813Gly)

Gene: KDM1A (lysine demethylase 1A; plus strand). Cytogenetic location: 1p36.12.
Variant type: single nucleotide variant.
Coding change: c.2438C>G on transcript NM_001009999.3 (MANE Select); coding-DNA position 2438, C replaced by G.
Protein change: p.Ala813Gly; replaces alanine 813 with glycine.
Molecular consequence: missense variant.
Genome position (GRCh38, 1-based): chr1:23,082,359, C>G. VCF-style: chr1-23082359-C-G. GRCh37 (hg19) VCF-style: chr1-23408852-C-G.
Other names: c.2384C>G, p.Ala795Gly (NM_001363654.2); c.2444C>G, p.Ala815Gly (NM_001410762.1); c.2366C>G, p.Ala789Gly (NM_001410763.1, NM_015013.4); short protein forms A815G, A789G, A813G, A795G.
Identifiers: ClinVar variation 4042091 (VCV004042091.1).